The following is an entry in ClinVar:

NM_014140.4(SMARCAL1):c.1475C>T (p.Thr492Ile)

Gene: SMARCAL1 (SNF2 related chromatin remodeling annealing helicase 1; plus strand). Cytogenetic location: 2q35.
Variant type: single nucleotide variant.
Coding change: c.1475C>T on transcript NM_014140.4 (MANE Select); coding-DNA position 1475, C replaced by T.
Protein change: p.Thr492Ile; replaces threonine 492 with isoleucine.
Molecular consequence: missense variant.
Genome position (GRCh38, 1-based): chr2:216,432,858, C>T. VCF-style: chr2-216432858-C-T. GRCh37 (hg19) VCF-style: chr2-217297581-C-T.
Other names: c.1475C>T, p.Thr492Ile (NM_001127207.2); short protein forms T492I.
Identifiers: ClinVar variation 2192049 (VCV002192049.1), dbSNP rs2468996927, ClinGen allele CA350500256.

ClinVar aggregate classification (germline): Uncertain significance (1 of 4 stars; one submission).

Conditions:
Schimke immuno-osseous dysplasia (SIOD). Also called: Schimke Immunoosseous Dysplasia. Identifiers: Orphanet 1830, MedGen C0877024, MONDO:0009458, OMIM 242900.

Allele frequency attached by ClinVar (database versions not stated): gnomAD exomes below 0.00001.
gnomAD v4.1: 5 of 1,614,196 alleles (0.00031%); highest among the groups gnomAD compares: South Asian, 0.0022%; no homozygotes.

Submission:

Labcorp Genetics (formerly Invitae), Labcorp
Classification: Uncertain significance for Schimke immuno-osseous dysplasia. Last evaluated: 2022-09-02. Review status: criteria provided, single submitter. Criteria: Invitae Variant Classification Sherloc (09022015). Collection method: clinical testing. Allele origin: germline.
Comment: This sequence change replaces threonine, which is neutral and polar, with isoleucine, which is neutral and non-polar, at codon 492 of the SMARCAL1 protein (p.Thr492Ile). This variant is not present in population databases (gnomAD no frequency). This variant has not been reported in the literature in individuals affected with SMARCAL1-related conditions. Algorithms developed to predict the effect of missense changes on protein structure and function are either unavailable or do not agree on the potential impact of this missense change (SIFT: "Tolerated"; PolyPhen-2: "Probably Damaging"; Align-GVGD: "Class C0"). In summary, the available evidence is currently insufficient to determine the role of this variant in disease. Therefore, it has been classified as a Variant of Uncertain Significance.